The following is an entry in ClinVar:

ClinVar aggregate classification (germline): Pathogenic. Review status: reviewed by expert panel (3 of 4 stars). 2 submissions from 2 submitters: Pathogenic (1). 1 of the submissions does not count toward it. Last evaluated 2017-12-15.

Conditions:
Breast-ovarian cancer, familial, susceptibility to, 2 (BROVCA2). Also called: BRCA2 Hereditary Breast and Ovarian Cancer. Identifiers: Orphanet 145, MedGen C2675520, MONDO:0012933, OMIM 612555. Disease mechanism: loss of function.
Familial cancer of breast. Also called: BREAST CANCER, FAMILIAL; Hereditary breast cancer; hereditary breast carcinoma. Identifiers: Orphanet 227535, MedGen C0346153, MONDO:0016419, OMIM 114480. Disease mechanism: loss of function.

Submissions (2):

Evidence-based Network for the Interpretation of Germline Mutant Alleles (ENIGMA)
Classification: Pathogenic for Breast-ovarian cancer, familial, susceptibility to, 2. Last evaluated: 2017-12-15. Review status: reviewed by expert panel. Criteria: ENIGMA BRCA1/2 Classification Criteria (2017-06-29). Collection method: curation. Allele origin: germline. Study: ENIGMA.
Comment: Variant allele predicted to encode a truncated non-functional protein.

GeneKor MSA
Classification: Pathogenic for Hereditary Breast Carcinoma. Last evaluated: 2020-01-01. Review status: criteria provided, single submitter. Criteria: ACMG Guidelines, 2015. Collection method: clinical testing. Allele origin: germline. Affected: yes. Not counted in ClinVar's aggregate classification.
Comment: This sequence change deletes one base from exon 10 of the BRCA2 mRNA (c.1057delT), causing a frameshift after codon 353 and the creation of a premature translation stop signal 3 amino acid residues later, [p.Ser353Hisfs]. This is expected to result in an absent or disrupted protein product. Truncating variants in the BRCA2 gene are known to be pathogenic. The mutation database Clinvar contains entries for this variant (Variation ID:252438).

NM_000059.4(BRCA2):c.1057del (p.Ser353fs)

Gene: BRCA2 (BRCA2 DNA repair associated; plus strand). Cytogenetic location: 13q13.1.
Variant type: Deletion.
Coding change: c.1057del on transcript NM_000059.4 (MANE Select); coding-DNA position 1057, one base deleted (T; older notation c.1057delT).
Protein change: p.Ser353fs; shifts the reading frame from serine 353.
Molecular consequence: frameshift variant.
Genome position (GRCh38, 1-based): chr13:32,332,535, T deleted. VCF-style (leftmost placement, unchanged base first): chr13-32332534-CT-C. GRCh37 (hg19) VCF-style: chr13-32906671-CT-C.
Other names: c.1057delT (NM_000059.3); short protein forms S353fs.
Identifiers: ClinVar variation 252438 (VCV000252438.4), dbSNP rs879255322, ClinGen allele CA10585926.
Genomic context (GRCh38, chr13:32,332,534, plus strand): 5'-TTTCCATGAAGCAAACGCTGATGAATGTGAAAAATCTAAAAACCAAGTGAAAGAAAAATA[CT>C]CATTTGTATCTGAAGTGGAACCAAATGATACTGATCCATTAGATTCAAATGTAGCAAATC-3'